The following is an entry in ClinVar:

ClinVar aggregate classification (germline): Uncertain significance (1 of 4 stars; one submission).

Allele frequency attached by ClinVar (database versions not stated): ExAC 0.00001; gnomAD 0.00001; gnomAD exomes 0.00001; TOPMed 0.00001.
gnomAD v4.1: 19 of 1,610,878 alleles (0.0012%); highest among the groups gnomAD compares: Non-Finnish European, 0.0015%; no homozygotes.

Submission:

Labcorp Genetics (formerly Invitae), Labcorp
Classification: Uncertain significance. Last evaluated: 2024-02-16. Review status: criteria provided, single submitter. Criteria: Invitae Variant Classification Sherloc (09022015). Collection method: clinical testing. Allele origin: germline.
Comment: This sequence change replaces arginine, which is basic and polar, with cysteine, which is neutral and slightly polar, at codon 772 of the KIF20A protein (p.Arg772Cys). This variant is present in population databases (rs751619840, gnomAD 0.002%). This variant has not been reported in the literature in individuals affected with KIF20A-related conditions. ClinVar contains an entry for this variant (Variation ID: 1391423). An algorithm developed to predict the effect of missense changes on protein structure and function (PolyPhen-2) suggests that this variant is likely to be disruptive. Algorithms developed to predict the effect of sequence changes on RNA splicing suggest that this variant may disrupt the consensus splice site. In summary, the available evidence is currently insufficient to determine the role of this variant in disease. Therefore, it has been classified as a Variant of Uncertain Significance.

NM_005733.3(KIF20A):c.2314C>T (p.Arg772Cys)

Gene: KIF20A (kinesin family member 20A; plus strand). Cytogenetic location: 5q31.2.
Variant type: single nucleotide variant.
Coding change: c.2314C>T on transcript NM_005733.3 (MANE Select); coding-DNA position 2314, C replaced by T.
Protein change: p.Arg772Cys; replaces arginine 772 with cysteine.
Molecular consequence: missense variant.
Genome position (GRCh38, 1-based): chr5:138,186,390, C>T. VCF-style: chr5-138186390-C-T. GRCh37 (hg19) VCF-style: chr5-137522079-C-T.
Other names: short protein forms R772C.
Identifiers: ClinVar variation 1391423 (VCV001391423.8), dbSNP rs751619840, ClinGen allele CA3426882.